The following is an entry in ClinVar:

ClinVar aggregate classification (germline): Uncertain significance (1 of 4 stars; one submission).

Conditions:
Inborn genetic diseases. Identifiers: MedGen C0950123, MeSH D030342.

Submission:

Ambry Genetics
Classification: Uncertain significance for Inborn genetic diseases. Last evaluated: 2025-09-01. Review status: criteria provided, single submitter. Criteria: Ambry Variant Classification Scheme 2023. Collection method: clinical testing. Allele origin: germline.
Comment: The p.E384A variant (also known as c.1151A>C), located in coding exon 9 of the KDM1A gene, results from an A to C substitution at nucleotide position 1151. The glutamic acid at codon 384 is replaced by alanine, an amino acid with dissimilar properties. This amino acid position is conserved. In addition, the in silico prediction for this alteration is inconclusive. Based on the available evidence, the clinical significance of this variant remains unclear.

NM_001009999.3(KDM1A):c.1151A>C (p.Glu384Ala)

Gene: KDM1A (lysine demethylase 1A; plus strand). Cytogenetic location: 1p36.12.
Variant type: single nucleotide variant.
Coding change: c.1151A>C on transcript NM_001009999.3 (MANE Select); coding-DNA position 1151, A replaced by C.
Protein change: p.Glu384Ala; replaces glutamic acid 384 with alanine.
Molecular consequence: missense variant.
Genome position (GRCh38, 1-based): chr1:23,059,151, A>C. VCF-style: chr1-23059151-A-C. GRCh37 (hg19) VCF-style: chr1-23385644-A-C.
Other names: c.1091A>C, p.Glu364Ala (NM_001363654.2, NM_001410763.1, NM_015013.4); c.1151A>C, p.Glu384Ala (NM_001410762.1); short protein forms E364A, E384A.
Identifiers: ClinVar variation 4091107 (VCV004091107.1).